The following is an entry in ClinVar:

NM_001164508.2(NEB):c.8994+1G>A

Gene: NEB (nebulin; minus strand). Cytogenetic location: 2q23.3.
Variant type: single nucleotide variant.
Coding change: c.8994+1G>A on transcript NM_001164508.2 (MANE Select); the canonical splice donor site of the intron after coding-DNA position 8994, G replaced by A.
Molecular consequence: splice donor variant. On other transcripts: intron variant (1).
Genome position (GRCh38, 1-based): chr2:151,639,279, C>T on the plus strand (G>A on the coding strand, the complement: NEB is on the minus strand). VCF-style: chr2-151639279-C-T. GRCh37 (hg19) VCF-style: chr2-152495793-C-T.
Other names: c.8853+614G>A (NM_004543.5); c.8994+1G>A (NM_001164507.2, NM_001271208.2).
Identifiers: ClinVar variation 1066080 (VCV001066080.11), dbSNP rs2098817648, ClinGen allele CA348807005.
Genomic context (GRCh38, chr2:151,639,279, plus strand): 5'-TCATAGAGTAGATCAACTGAAATAAGCAGCAGTGTGCAAATGTCAAAGAATCTGCTCTCA[C>T]CTCACTGTAGTTGATTTTGTTCATTCTTGCCAACATAATTTCTGGTGTGTCTGGCATTAT-3'

ClinVar aggregate classification (germline): Likely pathogenic. Review status: criteria provided, single submitter (1 of 4 stars). 2 submissions from 2 submitters: Likely pathogenic (1). 1 of the submissions does not count toward it. Last evaluated 2020-03-09.

Conditions:
Nemaline myopathy 2 (NEM2). Also called: Nemaline myopathy 2, autosomal recessive. Identifiers: MedGen C1850569, MONDO:0009725, OMIM 256030.

Allele frequency attached by ClinVar (database versions not stated): TOPMed 0.00001.

Submissions (2):

Labcorp Genetics (formerly Invitae), Labcorp
Classification: Likely pathogenic for Nemaline myopathy 2. Last evaluated: 2020-03-09. Review status: criteria provided, single submitter. Criteria: Invitae Variant Classification Sherloc (09022015). Collection method: clinical testing. Allele origin: germline.
Comment: In summary, the currently available evidence indicates that the variant is pathogenic, but additional data are needed to prove that conclusively. Therefore, this variant has been classified as Likely Pathogenic. Donor and acceptor splice site variants typically lead to a loss of protein function (PMID: 16199547), and loss-of-function variants in NEB are known to be pathogenic (PMID: 25205138). Algorithms developed to predict the effect of sequence changes on RNA splicing suggest that this variant may disrupt the consensus splice site, but this prediction has not been confirmed by published transcriptional studies. This variant has not been reported in the literature in individuals with NEB-related conditions. This variant is not present in population databases (ExAC no frequency). This sequence change affects a donor splice site in intron 63 of the NEB gene. It is expected to disrupt RNA splicing and likely results in an absent or disrupted protein product.

Natera, Inc.
Classification: Likely pathogenic for Nemaline myopathy type 2. Last evaluated: 2021-10-11. Review status: no assertion criteria provided. Collection method: clinical testing. Allele origin: germline. Not counted in ClinVar's aggregate classification.

Literature cited by the submitters: PubMed 16199547 (cited by Labcorp Genetics (formerly Invitae), Labcorp); PubMed 25205138 (cited by Labcorp Genetics (formerly Invitae), Labcorp).